The following is an entry in ClinVar:

NM_001172501.3(SLC6A2):c.1789G>A (p.Glu597Lys)

Gene: SLC6A2 (solute carrier family 6 member 2; plus strand). Cytogenetic location: 16q12.2.
Variant type: single nucleotide variant.
Coding change: c.1789G>A on transcript NM_001172501.3 (MANE Select); coding-DNA position 1789, G replaced by A.
Protein change: p.Glu597Lys; replaces glutamic acid 597 with lysine.
Molecular consequence: missense variant.
Genome position (GRCh38, 1-based): chr16:55,701,893, G>A. VCF-style: chr16-55701893-G-A. GRCh37 (hg19) VCF-style: chr16-55735805-G-A.
Other names: c.1789G>A, p.Glu597Lys (NM_001043.3, NM_001172504.1); c.1474G>A, p.Glu492Lys (NM_001172502.1); short protein forms E492K, E597K.
Identifiers: ClinVar variation 4887644 (VCV004887644.1).

ClinVar aggregate classification (germline): Uncertain significance (1 of 4 stars; one submission).

gnomAD v4.1: 8 of 1,614,114 alleles (0.0005%); highest among the groups gnomAD compares: African/African-American, 0.0013%; no homozygotes.

Submission:

Women's Health and Genetics/Laboratory Corporation of America, LabCorp
Classification: Uncertain significance. Last evaluated: 2026-06-26. Review status: criteria provided, single submitter. Criteria: LabCorp Variant Classification Summary - May 2015. Collection method: clinical testing. Allele origin: germline.
Comment: Variant summary: SLC6A2 c.1789G>A (p.Glu597Lys) results in a conservative amino acid change in the encoded protein sequence. Algorithms developed to predict the effect of missense changes on protein structure and function are either unavailable or do not agree on the potential impact of this missense change. The variant allele was found at a frequency of 8e-06 in 250764 control chromosomes. The available data on variant occurrences in the general population are insufficient to allow any conclusion about variant significance. To our knowledge, no occurrence of c.1789G>A in individuals affected with SLC6A2-related conditions and no experimental evidence demonstrating its impact on protein function have been reported. No submitters have cited clinical-significance assessments for this variant to ClinVar. Based on the evidence outlined above, the variant was classified as uncertain significance.